The following is an entry in ClinVar:

ClinVar aggregate classification (germline): Uncertain significance. Review status: criteria provided, multiple submitters, no conflicts (2 of 4 stars). 2 submissions from 2 submitters: Uncertain significance (2). Last evaluated 2024-02-05.

Submissions (2):

Quest Diagnostics Nichols Institute San Juan Capistrano
Classification: Uncertain significance. Last evaluated: 2024-02-05. Review status: criteria provided, single submitter. Criteria: Quest Diagnostics criteria. Collection method: clinical testing. Allele origin: unknown.
Comment: The HOXB13 c.445_447del (p.Val149del) variant has not been reported in individuals with HOXB13-related conditions in the published literature. It also has not been reported in large, multi-ethnic general populations (Genome Aggregation Database). Based on the available information, we are unable to determine the clinical significance of this variant.

Labcorp Genetics (formerly Invitae), Labcorp
Classification: Uncertain significance. Last evaluated: 2023-08-18. Review status: criteria provided, single submitter. Criteria: Invitae Variant Classification Sherloc (09022015). Collection method: clinical testing. Allele origin: germline.
Comment: This variant is not present in population databases (gnomAD no frequency). This variant, c.445_447del, results in the deletion of 1 amino acid(s) of the HOXB13 protein (p.Val149del), but otherwise preserves the integrity of the reading frame. This variant has not been reported in the literature in individuals affected with HOXB13-related conditions. Experimental studies and prediction algorithms are not available or were not evaluated, and the functional significance of this variant is currently unknown. In summary, the available evidence is currently insufficient to determine the role of this variant in disease. Therefore, it has been classified as a Variant of Uncertain Significance.

NM_006361.6(HOXB13):c.442GTG[1] (p.Val149del)

Gene: HOXB13 (homeobox B13; minus strand). Cytogenetic location: 17q21.32.
Variant type: Microsatellite.
Coding change: c.442GTG[1] on transcript NM_006361.6 (MANE Select); one copy of the 3-base unit GTG starting at c.442; the reference has two copies in a row; one copy, 3 bases deleted; also written c.445_447del.
Protein change: p.Val149del; deletes valine 149.
Molecular consequence: inframe deletion. On other transcripts: inframe indel (1).
Genome position (GRCh38, 1-based): chr17:48,728,147-48,728,149, CAC deleted on the plus strand (GTG on the coding strand, the reverse complement: HOXB13 is on the minus strand); deleting any 3 consecutive bases within chr17:48,728,147-48,728,152 gives the same sequence; the position shown is the placement nearest the transcript's 3' end. VCF-style (leftmost placement, unchanged base first): chr17-48728146-GCAC-G. GRCh37 (hg19) VCF-style: chr17-46805508-GCAC-G.
Other names: c.442_444GTG[1], p.Val149del (NM_006361.5); c.445_447del (NM_006361.5); short protein forms V149del.
Identifiers: ClinVar variation 2753666 (VCV002753666.4), dbSNP rs2509514976, ClinGen allele CA2638558326.